The following is an entry in ClinVar:

NM_001080825.2(TMEM120B):c.406C>T (p.Leu136=)

Gene: TMEM120B (transmembrane protein 120B; plus strand). Cytogenetic location: 12q24.31.
Variant type: single nucleotide variant.
Coding change: c.406C>T on transcript NM_001080825.2 (MANE Select); coding-DNA position 406, C replaced by T.
Protein change: p.Leu136=; no amino-acid change (leucine 136 retained).
Molecular consequence: synonymous variant.
Genome position (GRCh38, 1-based): chr12:121,752,168, C>T. VCF-style: chr12-121752168-C-T. GRCh37 (hg19) VCF-style: chr12-122190074-C-T.
Identifiers: ClinVar variation 3067769 (VCV003067769.21), dbSNP rs2504068171, ClinGen allele CA482174513.
Genomic context (GRCh38, chr12:121,752,168, plus strand): 5'-GGGCGTGTCTGTCGTGGCAGGTTCGCCTACAAGGACGAATATGAGAAGTTCAAGCTCTAC[C>T]TGACCATCATCCTGCTCCTGGGTGCCGTGGCATGTCGATTTGTCCTTCACTACAGGTAGT-3'
Protein context (NP_001074294.2, residues 126-146): KDEYEKFKLY[Leu136=]TIILLLGAVA

ClinVar aggregate classification (germline): Likely benign (1 of 4 stars; one submission).

Submission:

CeGaT Center for Human Genetics Tuebingen
Classification: Likely benign. Last evaluated: 2024-03-01. Review status: criteria provided, single submitter. Criteria: CeGaT Center For Human Genetics Tuebingen Variant Classification Criteria Version 2. Collection method: clinical testing. Allele origin: germline. Affected: yes. Observed: 1 variant allele.
Comment: TMEM120B: PM2:Supporting, BP4, BP7